The following is an entry in ClinVar:

NM_001083116.3(PRF1):c.614A>G (p.Asn205Ser)

Gene: PRF1 (perforin 1; minus strand). Cytogenetic location: 10q22.1.
Variant type: single nucleotide variant.
Coding change: c.614A>G on transcript NM_001083116.3 (MANE Select); coding-DNA position 614, A replaced by G.
Protein change: p.Asn205Ser; replaces asparagine 205 with serine.
Molecular consequence: missense variant.
Genome position (GRCh38, 1-based): chr10:70,599,107, T>C on the plus strand (A>G on the coding strand, the complement: PRF1 is on the minus strand). VCF-style: chr10-70599107-T-C. GRCh37 (hg19) VCF-style: chr10-72358863-T-C.
Other names: c.614A>G, p.Asn205Ser (NM_005041.6); c.614A>G (NM_001083116.1); short protein forms N205S.
Identifiers: ClinVar variation 1406228 (VCV001406228.4), dbSNP rs770354747, ClinGen allele CA5538963.

ClinVar aggregate classification (germline): Uncertain significance. Review status: criteria provided, multiple submitters, no conflicts (2 of 4 stars). 3 submissions from 3 submitters: Uncertain significance (3). Last evaluated 2026-01-14.

Conditions:
Familial hemophagocytic lymphohistiocytosis 2 (FHL2). Also called: PRF1-Related Familial Hemophagocytic Lymphohistiocytosis (PRF1-fHLH). Identifiers: Orphanet 540, MedGen C1863727, MONDO:0011337, OMIM 603553.
PRF1-related disorder. Also called: PRF1-related condition.

Allele frequency attached by ClinVar (database versions not stated): ExAC 0.00002; gnomAD exomes 0.00002 and 0.00004; gnomAD 0.00003 and 0.00004; TOPMed 0.00003.
gnomAD v4.1: 33 of 1,613,864 alleles (0.002%); highest among the groups gnomAD compares: Non-Finnish European, 0.0025%; no homozygotes.

Submissions (3):

PreventionGenetics, part of Exact Sciences
Classification: Uncertain significance for PRF1-related condition. Last evaluated: 2026-01-14. Review status: criteria provided, single submitter. Criteria: ACMG Guidelines, 2015. Collection method: clinical testing. Allele origin: germline.
Comment: The PRF1 c.614A>G variant is predicted to result in the amino acid substitution p.Asn205Ser. This variant has been reported in the compound heterozygous state in individuals with familial hemophagocytic lymphohistiocytosis (FHL; Supplemental Table 3, Abdalgani et al. 2015. PubMed ID: 26450956; Table 1, Gadoury-Levesque et al. 2020. PubMed ID: 32542393). This variant is reported in 0.0087% of alleles in individuals of European (Non-Finnish) descent in gnomAD. At this time, the clinical significance of this variant is uncertain due to the absence of conclusive functional and genetic evidence.

Women's Health and Genetics/Laboratory Corporation of America, LabCorp
Classification: Uncertain significance. Last evaluated: 2023-07-28. Review status: criteria provided, single submitter. Criteria: LabCorp Variant Classification Summary - May 2015. Collection method: clinical testing. Allele origin: germline.
Comment: Variant summary: PRF1 c.614A>G (p.Asn205Ser) results in a conservative amino acid change in the encoded protein sequence. Three of five in-silico tools predict a benign effect of the variant on protein function. The variant allele was found at a frequency of 3.6e-05 in 248816 control chromosomes (gnomAD). The available data on variant occurrences in the general population are insufficient to allow any conclusion about variant significance. c.614A>G has been reported in the literature in an individual affected with Familial Hemophagocytic Lymphohistiocytosis (example: Gadoury-Levesque_2020). These data do not allow any conclusion about variant significance. To our knowledge, no experimental evidence demonstrating an impact on protein function has been reported. The following publications have been ascertained in the context of this evaluation (PMID: 26450956, 32542393). One submitter has cited clinical-significance assessments for this variant to ClinVar after 2014 and has classified the variant as uncertain significance. Based on the evidence outlined above, the variant was classified as uncertain significance.

Labcorp Genetics (formerly Invitae), Labcorp
Classification: Uncertain significance for Familial hemophagocytic lymphohistiocytosis 2. Last evaluated: 2022-02-22. Review status: criteria provided, single submitter. Criteria: Invitae Variant Classification Sherloc (09022015). Collection method: clinical testing. Allele origin: germline.
Comment: This sequence change replaces asparagine, which is neutral and polar, with serine, which is neutral and polar, at codon 205 of the PRF1 protein (p.Asn205Ser). This variant is present in population databases (rs770354747, gnomAD 0.009%). This missense change has been observed in individual(s) with clinical features of familial hemophagocytic lymphohistiocytosis (FHL) (PMID: 26450956, 32542393). Algorithms developed to predict the effect of missense changes on protein structure and function (SIFT, PolyPhen-2, Align-GVGD) all suggest that this variant is likely to be tolerated. Algorithms developed to predict the effect of sequence changes on RNA splicing suggest that this variant may create or strengthen a splice site. In summary, the available evidence is currently insufficient to determine the role of this variant in disease. Therefore, it has been classified as a Variant of Uncertain Significance.

Literature cited by the submitters: PubMed 26450956 (cited by Women's Health and Genetics/Laboratory Corporation of America, LabCorp and Labcorp Genetics (formerly Invitae), Labcorp); PubMed 32542393 (cited by Women's Health and Genetics/Laboratory Corporation of America, LabCorp and Labcorp Genetics (formerly Invitae), Labcorp).